The following is an entry in ClinVar:

NM_032776.3(JMJD1C):c.6425G>T (p.Ser2142Ile)

Gene: JMJD1C (jumonji domain containing 1C; minus strand). Cytogenetic location: 10q21.3.
Variant type: single nucleotide variant.
Coding change: c.6425G>T on transcript NM_032776.3 (MANE Select); coding-DNA position 6425, G replaced by T.
Protein change: p.Ser2142Ile; replaces serine 2142 with isoleucine.
Molecular consequence: missense variant. On other transcripts: non-coding transcript variant (1).
Genome position (GRCh38, 1-based): chr10:63,189,313, C>A on the plus strand (G>T on the coding strand, the complement: JMJD1C is on the minus strand). VCF-style: chr10-63189313-C-A. GRCh37 (hg19) VCF-style: chr10-64949073-C-A.
Other names: c.5879G>T, p.Ser1960Ile (NM_001282948.2, NM_001318154.2); c.5561G>T, p.Ser1854Ile (NM_001318153.2); c.6311G>T, p.Ser2104Ile (NM_001322252.2); c.5768G>T, p.Ser1923Ile (NM_001322254.2, NM_001322258.2); short protein forms S1854I, S1923I, S1960I, S2104I, S2142I.
Identifiers: ClinVar variation 1004680 (VCV001004680.8), dbSNP rs750159796, ClinGen allele CA5517872.

ClinVar aggregate classification (germline): Uncertain significance (1 of 4 stars; one submission).

Conditions:
Early Myoclonic Encephalopathy. Identifiers: MedGen C0270855.

Allele frequency attached by ClinVar (database versions not stated): gnomAD exomes 0.00001 and below 0.00001; ExAC 0.00001.
gnomAD v4.1: 4 of 1,613,804 alleles (0.00025%); highest among the groups gnomAD compares: Non-Finnish European, 0.00034%; no homozygotes.

Submission:

Labcorp Genetics (formerly Invitae), Labcorp
Classification: Uncertain significance for Early Myoclonic Encephalopathy. Last evaluated: 2023-10-22. Review status: criteria provided, single submitter. Criteria: Invitae Variant Classification Sherloc (09022015). Collection method: clinical testing. Allele origin: germline.
Comment: This sequence change replaces serine, which is neutral and polar, with isoleucine, which is neutral and non-polar, at codon 2142 of the JMJD1C protein (p.Ser2142Ile). This variant is present in population databases (rs750159796, gnomAD 0.002%). This variant has not been reported in the literature in individuals affected with JMJD1C-related conditions. ClinVar contains an entry for this variant (Variation ID: 1004680). Advanced modeling of protein sequence and biophysical properties (such as structural, functional, and spatial information, amino acid conservation, physicochemical variation, residue mobility, and thermodynamic stability) performed at Invitae indicates that this missense variant is not expected to disrupt JMJD1C protein function. In summary, the available evidence is currently insufficient to determine the role of this variant in disease. Therefore, it has been classified as a Variant of Uncertain Significance.